The following is an entry in ClinVar:

NM_006329.4(FBLN5):c.491G>A (p.Gly164Asp)

Gene: FBLN5 (fibulin 5; minus strand). Cytogenetic location: 14q32.12.
Variant type: single nucleotide variant.
Coding change: c.491G>A on transcript NM_006329.4 (MANE Select); coding-DNA position 491, G replaced by A.
Protein change: p.Gly164Asp; replaces glycine 164 with aspartic acid.
Molecular consequence: missense variant.
Genome position (GRCh38, 1-based): chr14:91,894,961, C>T on the plus strand (G>A on the coding strand, the complement: FBLN5 is on the minus strand). VCF-style: chr14-91894961-C-T. GRCh37 (hg19) VCF-style: chr14-92361305-C-T.
Other names: c.614G>A, p.Gly205Asp (NM_001384158.1); c.542G>A, p.Gly181Asp (NM_001384159.1); c.491G>A, p.Gly164Asp (NM_001384160.1); c.323G>A, p.Gly108Asp (NM_001384161.1, NM_001384162.1); short protein forms G108D, G205D, G181D, G164D.
Identifiers: ClinVar variation 1518324 (VCV001518324.8), dbSNP rs1890160044, ClinGen allele CA390643099.
Genomic context (GRCh38, chr14:91,894,961, plus strand): 5'-CAACCGTTAACTTCCAAGAGTCCCTGTGACCCCCCCAGAGAGCTGTTACCTAAGCACTGG[C>T]CTTCCAGAAGCCAATATCCGTCGGTGCAGGAGCAGGTGTACCCGCCTTCAGTATTGATGC-3'
Protein context (NP_006320.2, residues 154-174): SCTDGYWLLE[Gly164Asp]QCLDIDECRY

ClinVar aggregate classification (germline): Uncertain significance (1 of 4 stars; one submission).

Submission:

Labcorp Genetics (formerly Invitae), Labcorp
Classification: Uncertain significance. Last evaluated: 2021-03-22. Review status: criteria provided, single submitter. Criteria: Invitae Variant Classification Sherloc (09022015). Collection method: clinical testing. Allele origin: germline.
Comment: In summary, the available evidence is currently insufficient to determine the role of this variant in disease. Therefore, it has been classified as a Variant of Uncertain Significance. Algorithms developed to predict the effect of missense changes on protein structure and function (SIFT, PolyPhen-2, Align-GVGD) all suggest that this variant is likely to be disruptive, but these predictions have not been confirmed by published functional studies and their clinical significance is uncertain. This variant has not been reported in the literature in individuals with FBLN5-related conditions. This variant is not present in population databases (ExAC no frequency). This sequence change replaces glycine with aspartic acid at codon 164 of the FBLN5 protein (p.Gly164Asp). The glycine residue is highly conserved and there is a moderate physicochemical difference between glycine and aspartic acid.